The following is an entry in ClinVar:

NM_001079855.2(GYG2):c.482T>G (p.Phe161Cys)

Gene: GYG2 (glycogenin 2; plus strand). Cytogenetic location: Xp22.33.
Variant type: single nucleotide variant.
Coding change: c.482T>G on transcript NM_001079855.2 (MANE Select); coding-DNA position 482, T replaced by G.
Protein change: p.Phe161Cys; replaces phenylalanine 161 with cysteine.
Molecular consequence: missense variant.
Genome position (GRCh38, 1-based): chrX:2,855,150, T>G. VCF-style: chrX-2855150-T-G. GRCh37 (hg19) VCF-style: chrX-2773191-T-G.
Other names: c.482T>G, p.Phe161Cys (NM_001184702.2); c.575T>G, p.Phe192Cys (NM_001184703.2, NM_003918.3); c.17T>G, p.Phe6Cys (NM_001184704.2); short protein forms F6C, F161C, F192C.
Identifiers: ClinVar variation 4718987 (VCV004718987.1).
Genomic context (GRCh38, chrX:2,855,150, plus strand): 5'-TCCAGCCTTCTCTCCACACGCATAAACTCCTGCTACAGCACGCCATGGAACACGGCAGCT[T>G]TGACGGTAAGTCAGGGCAGCCCGGACGCTTAGGGTCTCTGTTGCACACACTCAACTCTGC-3'
Protein context (NP_001073324.1, residues 151-171): LLQHAMEHGS[Phe161Cys]DGADQGLLNS

ClinVar aggregate classification (germline): Uncertain significance (1 of 4 stars; one submission).

Submission:

Labcorp Genetics (formerly Invitae), Labcorp
Classification: Uncertain significance. Last evaluated: 2025-05-12. Review status: criteria provided, single submitter. Criteria: Invitae Variant Classification Sherloc (09022015). Collection method: clinical testing. Allele origin: germline.
Comment: This sequence change replaces phenylalanine, which is neutral and non-polar, with cysteine, which is neutral and slightly polar, at codon 192 of the GYG2 protein (p.Phe192Cys). This variant is not present in population databases (gnomAD no frequency). This variant has not been reported in the literature in individuals affected with GYG2-related conditions. An algorithm developed to predict the effect of missense changes on protein structure and function (PolyPhen-2) suggests that this variant is likely to be disruptive. In summary, the available evidence is currently insufficient to determine the role of this variant in disease. Therefore, it has been classified as a Variant of Uncertain Significance.